The following is an entry in ClinVar:

ClinVar aggregate classification (germline): Uncertain significance (1 of 4 stars; one submission).

Conditions:
Myofibrillar myopathy 6. Identifiers: Orphanet 199340, MedGen C2751831, MONDO:0013061, OMIM 612954.
Dilated cardiomyopathy 1HH (CMD1HH). Identifiers: Orphanet 154, MedGen C3151293, MONDO:0013479, OMIM 613881.

Submission:

Labcorp Genetics (formerly Invitae), Labcorp
Classification: Uncertain significance for Dilated cardiomyopathy 1HH; Myofibrillar myopathy 6. Last evaluated: 2022-09-13. Review status: criteria provided, single submitter. Criteria: Invitae Variant Classification Sherloc (09022015). Collection method: clinical testing. Allele origin: germline.
Comment: This sequence change replaces glutamine, which is neutral and polar, with glutamic acid, which is acidic and polar, at codon 303 of the BAG3 protein (p.Gln303Glu). This variant is not present in population databases (gnomAD no frequency). This variant has not been reported in the literature in individuals affected with BAG3-related conditions. Algorithms developed to predict the effect of missense changes on protein structure and function are either unavailable or do not agree on the potential impact of this missense change (SIFT: "Tolerated"; PolyPhen-2: "Probably Damaging"; Align-GVGD: "Class C0"). In summary, the available evidence is currently insufficient to determine the role of this variant in disease. Therefore, it has been classified as a Variant of Uncertain Significance.

NM_004281.4(BAG3):c.907C>G (p.Gln303Glu)

Gene: BAG3 (BAG cochaperone 3; plus strand). Cytogenetic location: 10q26.11.
Variant type: single nucleotide variant.
Coding change: c.907C>G on transcript NM_004281.4 (MANE Select); coding-DNA position 907, C replaced by G.
Protein change: p.Gln303Glu; replaces glutamine 303 with glutamic acid.
Molecular consequence: missense variant.
Genome position (GRCh38, 1-based): chr10:119,672,654, C>G. VCF-style: chr10-119672654-C-G. GRCh37 (hg19) VCF-style: chr10-121432166-C-G.
Other names: short protein forms Q303E.
Identifiers: ClinVar variation 2041402 (VCV002041402.4), dbSNP rs1183981489, ClinGen allele CA378296168.